The following is an entry in ClinVar:

ClinVar aggregate classification (germline): Conflicting classifications of pathogenicity. Review status: criteria provided, conflicting classifications (1 of 4 stars). 6 submissions from 6 submitters: Uncertain significance (5); Likely benign (1). Last evaluated 2026-07-05.

Conditions:
NPPA-related disorder. Also called: NPPA-related condition.
Inborn genetic diseases. Identifiers: MedGen C0950123, MeSH D030342.
Atrial fibrillation, familial, 6 (ATFB6). Identifiers: MedGen C2677294, MONDO:0012816, OMIM 612201.
Atrial standstill 2 (ATRST2). Also called: ATRIAL DILATION AND STANDSTILL; CARDIOMYOPATHY, ATRIAL DILATED, WITH ATRIAL STANDSTILL. Identifiers: Orphanet 1344, MedGen C3810401, MONDO:0014329, OMIM 615745.

Allele frequency attached by ClinVar (database versions not stated): ExAC 0.00007; gnomAD exomes 0.00008 and 0.00027; gnomAD 0.00011 and 0.00012; TOPMed 0.00014; ESP Exome Variant Server 0.00023.

Submissions (6):

PreventionGenetics, part of Exact Sciences
Classification: Uncertain significance for NPPA-related condition. Last evaluated: 2026-07-05. Review status: criteria provided, single submitter. Criteria: ACMG Guidelines, 2015. Collection method: clinical testing. Allele origin: germline.
Comment: The NPPA c.197C>T variant is predicted to result in the amino acid substitution p.Pro66Leu. To our knowledge, this variant has not been reported in the literature. This variant is reported in 0.016% of alleles in individuals of European (Non-Finnish) descent in gnomAD. At this time, the clinical significance of this variant is uncertain due to the absence of conclusive functional and genetic evidence.

Labcorp Genetics (formerly Invitae), Labcorp
Classification: Uncertain significance for Atrial fibrillation, familial, 6. Last evaluated: 2025-11-12. Review status: criteria provided, single submitter. Criteria: Invitae Variant Classification Sherloc (09022015). Collection method: clinical testing. Allele origin: germline.
Comment: This sequence change replaces proline, which is neutral and non-polar, with leucine, which is neutral and non-polar, at codon 66 of the NPPA protein (p.Pro66Leu). This variant is present in population databases (rs150794709, gnomAD 0.01%). This variant has not been reported in the literature in individuals affected with NPPA-related conditions. ClinVar contains an entry for this variant (Variation ID: 469605). An algorithm developed to predict the effect of missense changes on protein structure and function (PolyPhen-2) suggests that this variant is likely to be tolerated. In summary, the available evidence is currently insufficient to determine the role of this variant in disease. Therefore, it has been classified as a Variant of Uncertain Significance.

Women's Health and Genetics/Laboratory Corporation of America, LabCorp
Classification: Likely benign. Last evaluated: 2024-10-06. Review status: criteria provided, single submitter. Criteria: LabCorp Variant Classification Summary - May 2015. Collection method: clinical testing. Allele origin: germline.

Fulgent Genetics
Classification: Uncertain significance for Atrial fibrillation, familial, 6; Atrial standstill 2. Last evaluated: 2022-02-21. Review status: criteria provided, single submitter. Criteria: ACMG Guidelines, 2015. Collection method: clinical testing. Allele origin: unknown.

Ambry Genetics
Classification: Uncertain significance for Inborn genetic diseases. Last evaluated: 2021-09-15. Review status: criteria provided, single submitter. Criteria: Ambry Variant Classification Scheme 2023. Collection method: clinical testing. Allele origin: germline.

Center for Genomics, Ann and Robert H. Lurie Children's Hospital of Chicago
Classification: Uncertain significance for Atrial standstill 2; Atrial fibrillation, familial, 6. Review status: criteria provided, single submitter. Criteria: ACMG Guidelines, 2015. Collection method: clinical testing. Allele origin: germline.
Comment: NPPA NM_006172.3 exon 2 p.Pro66Leu (c.197C>T): This variant has not been reported in the literature and is present in 0.01% (20/127896) of European alleles in the Genome Aggregation Database. This variant is present in ClinVar (Variation ID:469605). Evolutionary conservation and computational predictive tools suggest that this variant may not impact the protein. In summary, data on this variant is insufficient for disease classification. Therefore, the clinical significance of this variant is uncertain.

NM_006172.4(NPPA):c.197C>T (p.Pro66Leu)

Genes: NPPA (natriuretic peptide A; minus strand), NPPA-AS1 (NPPA antisense RNA 1; plus strand), LOC114827827 (VISTA enhancer hs2123; plus strand). Cytogenetic location: 1p36.22.
Variant type: single nucleotide variant.
Coding change: c.197C>T on transcript NM_006172.4 (MANE Select); coding-DNA position 197, C replaced by T.
Protein change: p.Pro66Leu; replaces proline 66 with leucine.
Molecular consequence: missense variant.
Genome position (GRCh38, 1-based): chr1:11,847,366, G>A on the plus strand (C>T on the coding strand, the complement: NPPA is on the minus strand). VCF-style: chr1-11847366-G-A. GRCh37 (hg19) VCF-style: chr1-11907423-G-A.
Other names: c.197C>T (LRG_751t1); short protein forms P66L.
Identifiers: ClinVar variation 469605 (VCV000469605.14), dbSNP rs150794709, ClinGen allele CA597063.